The following is an entry in ClinVar:

NM_025216.3(WNT10A):c.557A>C (p.Lys186Thr)

Gene: WNT10A (Wnt family member 10A; plus strand). Cytogenetic location: 2q35.
Variant type: single nucleotide variant.
Coding change: c.557A>C on transcript NM_025216.3 (MANE Select); coding-DNA position 557, A replaced by C.
Protein change: p.Lys186Thr; replaces lysine 186 with threonine.
Molecular consequence: missense variant.
Genome position (GRCh38, 1-based): chr2:218,890,164, A>C. VCF-style: chr2-218890164-A-C. GRCh37 (hg19) VCF-style: chr2-219754886-A-C.
Other names: short protein forms K186T.
Identifiers: ClinVar variation 4536218 (VCV004536218.1).

ClinVar aggregate classification (germline): Uncertain significance (1 of 4 stars; one submission).

Submission:

GeneDx
Classification: Uncertain significance. Last evaluated: 2025-06-07. Review status: criteria provided, single submitter. Criteria: GeneDx Variant Classification Process June 2021. Collection method: clinical testing. Allele origin: germline. Affected: yes.
Comment: Not observed at significant frequency in large population cohorts (gnomAD); In silico analysis suggests that this missense variant does not alter protein structure/function; Has not been previously published as pathogenic or benign to our knowledge